The following is an entry in ClinVar:

ClinVar aggregate classification (germline): Uncertain significance (1 of 4 stars; one submission).

Conditions:
Long QT syndrome (LQTS). Identifiers: MedGen C0023976, MeSH D008133, MONDO:0002442. Disease mechanism: loss of function. Inheritance: Various modes of inheritance.

Submission:

Labcorp Genetics (formerly Invitae), Labcorp
Classification: Uncertain significance for Long QT syndrome. Last evaluated: 2025-05-07. Review status: criteria provided, single submitter. Criteria: Invitae Variant Classification Sherloc (09022015). Collection method: clinical testing. Allele origin: germline.
Comment: This sequence change replaces histidine, which is basic and polar, with leucine, which is neutral and non-polar, at codon 3691 of the ANK2 protein (p.His3691Leu). This variant is not present in population databases (gnomAD no frequency). This variant has not been reported in the literature in individuals affected with ANK2-related conditions. An algorithm developed to predict the effect of missense changes on protein structure and function (PolyPhen-2) suggests that this variant is likely to be tolerated. In summary, the available evidence is currently insufficient to determine the role of this variant in disease. Therefore, it has been classified as a Variant of Uncertain Significance.

NM_001148.6(ANK2):c.11072A>T (p.His3691Leu)

Gene: ANK2 (ankyrin 2; plus strand). Cytogenetic location: 4q26.
Variant type: single nucleotide variant.
Coding change: c.11072A>T on transcript NM_001148.6 (MANE Select); coding-DNA position 11072, A replaced by T.
Protein change: p.His3691Leu; replaces histidine 3691 with leucine.
Molecular consequence: missense variant.
Genome position (GRCh38, 1-based): chr4:113,367,605, A>T. VCF-style: chr4-113367605-A-T. GRCh37 (hg19) VCF-style: chr4-114288761-A-T.
Other names: c.4829A>T, p.His1610Leu (NM_001354225.2); c.4718A>T, p.His1573Leu (NM_001354228.2, NM_001354258.2); c.4796A>T, p.His1599Leu (NM_001354230.2); c.4859A>T, p.His1620Leu (NM_001354231.2, NM_001354242.2); c.4853A>T, p.His1618Leu (NM_001354232.2); c.4814A>T, p.His1605Leu (NM_001354235.2, NM_001354246.2, NM_001354265.2); c.4715A>T, p.His1572Leu (NM_001354236.2); c.4895A>T, p.His1632Leu (NM_001354237.2); and 35 more; short protein forms H1478L, H1511L, H1533L, H1540L, H1552L, H1554L, H1559L, H1561L.
Identifiers: ClinVar variation 4767756 (VCV004767756.1).